The following is an entry in ClinVar:

NM_001018005.2(TPM1):c.773-4A>T

Gene: TPM1 (tropomyosin 1; plus strand). Cytogenetic location: 15q22.2.
Variant type: single nucleotide variant.
Coding change: c.773-4A>T on transcript NM_001018005.2 (MANE Select); 4 bases into the intron before coding-DNA position 773, A replaced by T.
Molecular consequence: intron variant. On other transcripts: 3 prime UTR variant (3), non-coding transcript variant (1).
Genome position (GRCh38, 1-based): chr15:63,064,060, A>T. VCF-style: chr15-63064060-A-T. GRCh37 (hg19) VCF-style: chr15-63356259-A-T.
Other names: c.*1251A>T (NM_001407325.1, NM_001407340.1, NM_001407341.1); c.898+1415A>T (NM_001365778.1); c.772+1415A>T (NM_001407336.1, NM_001018020.2, NM_001407338.1 and 8 more transcripts); c.773-4A>T (NM_001407326.1, NM_001407334.1, NM_001407335.1 and 8 more transcripts); c.899-4A>T (NM_001407323.1, NM_001407322.1, NM_001407324.1); c.664+1415A>T (NM_001330351.2, NM_001330344.2, NM_001018008.2 and 3 more transcripts); c.665-4A>T (NM_001365781.2, NM_001407344.1, NM_001365782.1 and 1 more transcripts).
Identifiers: ClinVar variation 3073525 (VCV003073525.1), dbSNP rs1555410410, ClinGen allele CA2825002290.
Genomic context (GRCh38, chr15:63,064,060, plus strand): 5'-CACCCTCCATTTCTTGATCACTCTCCATGTTCTTGCACCTCTGCCTTCCACTTCCTGGTC[A>T]TAGACGAGCTGTACGCTCAGAAACTGAAGTACAAAGCCATCAGCGAGGAGCTGGACCACG-3'

ClinVar aggregate classification (germline): Likely benign (1 of 4 stars; one submission).

Conditions:
Hypertrophic cardiomyopathy. Also called: HYPERTROPHIC MYOCARDIOPATHY. Identifiers: Orphanet 217569, MedGen C0007194, MeSH D002312, MONDO:0005045, HP:0001639.

Submission:

All of Us Research Program, National Institutes of Health
Classification: Likely benign for Hypertrophic cardiomyopathy. Last evaluated: 2023-10-02. Review status: criteria provided, single submitter. Criteria: ACMG Guidelines, 2015. Collection method: clinical testing. Allele origin: germline. Inheritance: Autosomal dominant inheritance. Observed: 1 variant allele, 1 heterozygote.
Comment: This study involves interpretation of variants in research participants for the purpose of population health screening. Participant phenotype was not available at the time of variant classification. Additional details can be found in publication PMID: 35346344, PMCID: PMC8962531